The following is an entry in ClinVar:

ClinVar aggregate classification (germline): Likely benign. Review status: criteria provided, single submitter (1 of 4 stars). 2 submissions from 2 submitters: Likely benign (1). 1 of the submissions does not count toward it. Last evaluated 2026-01-06.

Conditions:
ABCB11-related disorder. Also called: ABCB11-related condition.

Allele frequency attached by ClinVar (database versions not stated): gnomAD exomes below 0.00001; gnomAD 0.00002; TOPMed 0.00002.
gnomAD v4.1: 6 of 1,613,768 alleles (0.00037%); highest among the groups gnomAD compares: Admixed American, 0.0017%; no homozygotes.

Submissions (2):

Labcorp Genetics (formerly Invitae), Labcorp
Classification: Likely benign. Last evaluated: 2026-01-06. Review status: criteria provided, single submitter. Criteria: Invitae Variant Classification Sherloc (09022015). Collection method: clinical testing. Allele origin: germline.

PreventionGenetics, part of Exact Sciences
Classification: Likely benign for ABCB11-related condition. Last evaluated: 2024-09-24. Review status: no assertion criteria provided. Collection method: clinical testing. Allele origin: germline. Not counted in ClinVar's aggregate classification.
Comment: This variant is classified as likely benign based on ACMG/AMP sequence variant interpretation guidelines (Richards et al. 2015 PMID: 25741868, with internal and published modifications).

NM_003742.4(ABCB11):c.3771G>T (p.Val1257=)

Gene: ABCB11 (ATP binding cassette subfamily B member 11; minus strand). Cytogenetic location: 2q31.1.
Variant type: single nucleotide variant.
Coding change: c.3771G>T on transcript NM_003742.4 (MANE Select); coding-DNA position 3771, G replaced by T.
Protein change: p.Val1257=; no amino-acid change (valine 1257 retained).
Molecular consequence: synonymous variant.
Genome position (GRCh38, 1-based): chr2:168,923,817, C>A on the plus strand (G>T on the coding strand, the complement: ABCB11 is on the minus strand). VCF-style: chr2-168923817-C-A. GRCh37 (hg19) VCF-style: chr2-169780327-C-A.
Other names: c.3771G>T (NM_003742.2).
Identifiers: ClinVar variation 1615893 (VCV001615893.9), dbSNP rs1329421610, ClinGen allele CA429912529.